The following is an entry in ClinVar:

ClinVar aggregate classification (germline): Uncertain significance (1 of 4 stars; one submission).

Submission:

Ambry Genetics
Classification: Uncertain significance. Last evaluated: 2023-09-13. Review status: criteria provided, single submitter. Criteria: Ambry Variant Classification Scheme 2023. Collection method: clinical testing. Allele origin: germline.
Comment: The p.G1911E variant (also known as c.5732G>A), located in coding exon 8 of the ALPK2 gene, results from a G to A substitution at nucleotide position 5732. The glycine at codon 1911 is replaced by glutamic acid, an amino acid with similar properties. This amino acid position is conserved. In addition, the in silico prediction for this alteration is inconclusive. Since supporting evidence is limited at this time, the clinical significance of this alteration remains unclear.

NM_052947.4(ALPK2):c.5732G>A (p.Gly1911Glu)

Gene: ALPK2 (alpha kinase 2; minus strand). Cytogenetic location: 18q21.31.
Variant type: single nucleotide variant.
Coding change: c.5732G>A on transcript NM_052947.4 (MANE Select); coding-DNA position 5732, G replaced by A.
Protein change: p.Gly1911Glu; replaces glycine 1911 with glutamic acid.
Molecular consequence: missense variant.
Genome position (GRCh38, 1-based): chr18:58,517,116, C>T on the plus strand (G>A on the coding strand, the complement: ALPK2 is on the minus strand). VCF-style: chr18-58517116-C-T. GRCh37 (hg19) VCF-style: chr18-56184348-C-T.
Other names: short protein forms G1911E.
Identifiers: ClinVar variation 2626051 (VCV002626051.2), dbSNP rs2518862953, ClinGen allele CA402549049.